The following is an entry in ClinVar:

NM_001135649.3(FOXI3):c.76G>A (p.Ala26Thr)

Gene: FOXI3 (forkhead box I3; minus strand). Cytogenetic location: 2p11.2.
Variant type: single nucleotide variant.
Coding change: c.76G>A on transcript NM_001135649.3 (MANE Select); coding-DNA position 76, G replaced by A.
Protein change: p.Ala26Thr; replaces alanine 26 with threonine.
Molecular consequence: missense variant.
Genome position (GRCh38, 1-based): chr2:88,452,460, C>T on the plus strand (G>A on the coding strand, the complement: FOXI3 is on the minus strand). VCF-style: chr2-88452460-C-T. GRCh37 (hg19) VCF-style: chr2-88751978-C-T.
Other names: short protein forms A26T.
Identifiers: ClinVar variation 1367611 (VCV001367611.6), dbSNP rs1309897742, ClinGen allele CA347767105.

ClinVar aggregate classification (germline): Uncertain significance (1 of 4 stars; one submission).

Allele frequency attached by ClinVar (database versions not stated): gnomAD 0.00001.

Submission:

Labcorp Genetics (formerly Invitae), Labcorp
Classification: Uncertain significance. Last evaluated: 2022-07-19. Review status: criteria provided, single submitter. Criteria: Invitae Variant Classification Sherloc (09022015). Collection method: clinical testing. Allele origin: germline.
Comment: ClinVar contains an entry for this variant (Variation ID: 1367611). In summary, the available evidence is currently insufficient to determine the role of this variant in disease. Therefore, it has been classified as a Variant of Uncertain Significance. Experimental studies and prediction algorithms are not available or were not evaluated, and the functional significance of this variant is currently unknown. This variant has not been reported in the literature in individuals affected with FOXI3-related conditions. The frequency data for this variant in the population databases is considered unreliable, as metrics indicate insufficient coverage at this position in the gnomAD database. This sequence change replaces alanine, which is neutral and non-polar, with threonine, which is neutral and polar, at codon 26 of the FOXI3 protein (p.Ala26Thr).